The following is an entry in ClinVar:

NM_004360.5(CDH1):c.1009_1010del (p.Ser337Phefs)

Gene: CDH1 (cadherin 1; plus strand). Cytogenetic location: 16q22.1.
Variant type: Microsatellite.
Coding change: c.1009_1010del on transcript NM_004360.5 (MANE Select); coding-DNA positions 1009 to 1010, 2 bases deleted (AG; older notation c.1009_1010delAG).
Protein change: p.Ser337Phefs; shifts the reading frame from serine 337.
Molecular consequence: splice acceptor variant.
Genome position (GRCh38, 1-based): chr16:68,812,135-68,812,136, AG deleted; deleting any 2 consecutive bases within chr16:68,812,133-68,812,136 gives the same sequence; the c. name uses the placement nearest the transcript's 3' end. VCF-style (leftmost placement, unchanged base first): chr16-68812132-CAG-C. GRCh37 (hg19) VCF-style: chr16-68846035-CAG-C.
Other names: NM_004360.3(CDH1):c.1009_1010delAG; c.1009_1010delAG (NM_004360.3, NM_004360.5); c.1009_1010del (NM_004360.3, NM_004360.4).
Identifiers: ClinVar variation 183727 (VCV000183727.19), dbSNP rs786201045, ClinGen allele CA186248.

ClinVar aggregate classification (germline): Pathogenic. Review status: reviewed by expert panel (3 of 4 stars). 8 submissions from 8 submitters: Pathogenic (1). 7 of the submissions do not count toward it. Last evaluated 2023-08-25.

Conditions:
CDH1-related diffuse gastric and lobular breast cancer syndrome. Also called: CDH1-related diffuse gastric and lobular breast cancer. Identifiers: MedGen CN311521, MONDO:0100488.
Hereditary cancer-predisposing syndrome. Also called: Hereditary Cancer Syndrome; Tumor predisposition; Neoplastic Syndromes, Hereditary; Hereditary neoplastic syndrome. Identifiers: Orphanet 140162, MedGen C0027672, MeSH D009386, MONDO:0015356.
Hereditary diffuse gastric adenocarcinoma (HDGC). Also called: DIFFUSE GASTRIC AND LOBULAR BREAST CANCER SYNDROME. Identifiers: Orphanet 26106, MedGen C1708349, MONDO:0007648, OMIM 137215.
Familial cancer of breast. Also called: hereditary breast carcinoma; BREAST CANCER, FAMILIAL; Hereditary breast cancer. Identifiers: Orphanet 227535, MedGen C0346153, MONDO:0016419, OMIM 114480. Disease mechanism: loss of function.

Submissions (8):

Clingen Gastric Cancer Variant Curation Expert Panel
Classification: Pathogenic for CDH1-related diffuse gastric and lobular breast cancer syndrome. Last evaluated: 2023-08-25. Review status: reviewed by expert panel. Criteria: ClinGen CDH1 ACMG Specifications V3.1. Collection method: curation. Allele origin: germline. Inheritance: Autosomal dominant inheritance.
Comment: The c.1009_1010delAG (p.Ser337Phefs) variant is predicted to result in a premature stop codon that leads to a truncated or absent protein (PVS1, PM5_Supporting). The variant is absent in the gnomAD cohort (PM2_Supporting). Two probands meet HDGC phenotype criteria (PS4_Moderate; SCV000212776.4). In summary, this variant meets criteria to be classified as Pathogenic based on the ACMG/AMP criteria applied as specified by the CDH1 Variant Curation Expert Panel (Variant Interpretation Guidelines Version 3.1): PVS1, PM2_Supporting, PS4_Moderate, PM5_Supporting.

Center for Genomic Medicine, Rigshospitalet, Copenhagen University Hospital
Classification: Pathogenic. Last evaluated: 2025-12-29. Review status: criteria provided, single submitter. Criteria: ACMG Guidelines, 2015. Collection method: clinical testing. Allele origin: germline. Not counted in ClinVar's aggregate classification.

Labcorp Genetics (formerly Invitae), Labcorp
Classification: Pathogenic for Hereditary diffuse gastric adenocarcinoma. Last evaluated: 2024-08-21. Review status: criteria provided, single submitter. Criteria: Invitae Variant Classification Sherloc (09022015). Collection method: clinical testing. Allele origin: germline. Not counted in ClinVar's aggregate classification.
Comment: This sequence change creates a premature translational stop signal (p.Ser337Phefs*12) in the CDH1 gene. It is expected to result in an absent or disrupted protein product. Loss-of-function variants in CDH1 are known to be pathogenic (PMID: 15235021, 20373070). This variant is not present in population databases (gnomAD no frequency). This premature translational stop signal has been observed in individual(s) with clinical features of hereditary diffuse gastric cancer (PMID: 26182300). This variant is also known as c.1009-2delAG. ClinVar contains an entry for this variant (Variation ID: 183727). RNA analysis performed to evaluate the impact of this premature translational stop signal on mRNA splicing indicates it does not significantly alter splicing (internal data). For these reasons, this variant has been classified as Pathogenic.

Color Diagnostics, LLC DBA Color Health
Classification: Pathogenic for Hereditary cancer-predisposing syndrome. Last evaluated: 2023-07-17. Review status: criteria provided, single submitter. Criteria: ACMG Guidelines, 2015. Collection method: clinical testing. Allele origin: germline. Not counted in ClinVar's aggregate classification.
Comment: This variant deletes 2 nucleotides in exon 8 of the CDH1 gene, creating a frameshift and premature translation stop signal. This variant is expected to result in an absent or non-functional protein product. This variant has not been identified in the general population by the Genome Aggregation Database (gnomAD). Loss of CDH1 function is a known mechanism of disease. Based on the available evidence, this variant is classified as Pathogenic.

Myriad Genetics, Inc.
Classification: Pathogenic for Hereditary diffuse gastric adenocarcinoma. Last evaluated: 2023-06-12. Review status: criteria provided, single submitter. Criteria: Myriad Autosomal Dominant, Autosomal Recessive and X-Linked Classification Criteria (2023). Collection method: clinical testing. Allele origin: unknown. Not counted in ClinVar's aggregate classification.
Comment: This variant is considered pathogenic. This variant creates a frameshift predicted to result in premature protein truncation.

Baylor Genetics
Classification: Pathogenic for Familial cancer of breast. Last evaluated: 2023-05-15. Review status: criteria provided, single submitter. Criteria: ACMG Guidelines, 2015. Collection method: clinical testing. Allele origin: unknown. Not counted in ClinVar's aggregate classification.

European Reference Network on Genetic Tumour Risk Syndromes (ERN-GENTURIS), i3s - Instituto de Investigação e Inovação em Saúde, University of Porto
Classification: Pathogenic for Hereditary diffuse gastric adenocarcinoma. Last evaluated: 2022-08-01. Review status: criteria provided, single submitter. Criteria: Lee et al. (Hum Mutat. 2018). Collection method: clinical testing. Allele origin: germline. Inheritance: Autosomal dominant inheritance. Affected: no. Study: ERN GENTURIS. Not counted in ClinVar's aggregate classification.
Comment: PVS1; PS4_Moderate; PM2 (PMID: 30311375)

Ambry Genetics
Classification: Pathogenic for Hereditary cancer-predisposing syndrome. Last evaluated: 2017-12-04. Review status: criteria provided, single submitter. Criteria: Ambry Autosomal Dominant and X-Linked criteria (3/2017). Collection method: clinical testing. Allele origin: germline. Observed: 1 variant allele. Not counted in ClinVar's aggregate classification.
Comment: The c.1009_1010delAG pathogenic mutation, located in coding exon 8 of the CDH1 gene, results from a deletion of two nucleotides at nucleotide positions 1009 to 1010, causing a translational frameshift with a predicted alternate stop codon (p.S337Ffs*12). This mutation has been reported in a cohort of French CDH1 mutation carriers (Benusiglio PR et al. J. Med. Genet. 2015 Aug;52:563-5). In addition to the clinical data presented in the literature, this alteration is expected to result in loss of function by premature protein truncation or nonsense-mediated mRNA decay. As such, this alteration is interpreted as a disease-causing mutation.

Literature cited by the submitters: PubMed 36436516 (cited by 3 submitters); PubMed 36509094 (cited by Center for Genomic Medicine, Rigshospitalet, Copenhagen University Hospital); PubMed 15235021 (cited by Labcorp Genetics (formerly Invitae), Labcorp); PubMed 20373070 (cited by Labcorp Genetics (formerly Invitae), Labcorp); PubMed 26182300 (cited by Labcorp Genetics (formerly Invitae), Labcorp); PubMed 26025002 (cited by Ambry Genetics).